The following is an entry in ClinVar:

ClinVar aggregate classification (germline): Pathogenic (1 of 4 stars; one submission).

Conditions:
Familial cylindromatosis. Also called: ANCELL-SPIEGLER CYLINDROMAS; Turban tumor syndrome. Identifiers: Orphanet 211, Orphanet 79493, MedGen C1851526, MONDO:0007565, OMIM 132700.

Submission:

Genomic Diagnostic Laboratory, Division of Genomic Diagnostics, Children's Hospital of Philadelphia
Classification: Pathogenic for Cylindromatosis, familial. Last evaluated: 2016-09-23. Review status: criteria provided, single submitter. Criteria: DGD Variant Analysis Guidelines. Collection method: clinical testing. Allele origin: germline. Affected: yes. Observed: 1 variant allele.
Comment: Clinical Testing

NM_001378743.1(CYLD):c.2406_2407del (p.Cys802_Tyr803delinsTer)

Genes: CYLD (CYLD lysine 63 deubiquitinase; plus strand), CYLD-AS2 (CYLD antisense RNA 2; minus strand). Cytogenetic location: 16q12.1.
Variant type: Deletion.
Coding change: c.2406_2407del on transcript NM_001378743.1 (MANE Select); coding-DNA positions 2406 to 2407, 2 bases deleted (CT; older notation c.2406_2407delCT).
Protein change: p.Cys802_Tyr803delinsTer.
Molecular consequence: nonsense. On other transcripts: non-coding transcript variant (1).
Genome position (GRCh38, 1-based): chr16:50,793,601-50,793,602, CT deleted. VCF-style (leftmost placement, unchanged base first): chr16-50793600-GCT-G. GRCh37 (hg19) VCF-style: chr16-50827511-GCT-G.
Other names: c.2397_2398del, p.Cys799_Tyr800delinsTer (NM_001042355.2, NM_001042412.3, NM_001378744.1 and 6 more transcripts); c.2367_2368del, p.Cys789_Tyr790delinsTer (NM_001378751.1, NM_001378752.1, NM_001378753.1); c.1731_1732del, p.Cys577_Tyr578delinsTer (NM_001378754.1, NM_001378755.1); c.2406_2407del, p.Cys802_Tyr803delinsTer (NM_015247.3); c.2406_2407delCT (NM_015247.2).
Identifiers: ClinVar variation 267253 (VCV000267253.1), dbSNP rs886040892, ClinGen allele CA10590090.